The following is an entry in ClinVar:

NM_001267550.2(TTN):c.9841_9842del (p.Thr3281fs)

Gene: TTN (titin; minus strand). Cytogenetic location: 2q31.2.
Variant type: Deletion.
Coding change: c.9841_9842del on transcript NM_001267550.2 (MANE Select); coding-DNA positions 9841 to 9842, 2 bases deleted (AC; older notation c.9841_9842delAC).
Protein change: p.Thr3281fs; shifts the reading frame from threonine 3281.
Molecular consequence: frameshift variant.
Genome position (GRCh38, 1-based): chr2:178,764,673-178,764,674, GT deleted on the plus strand (AC on the coding strand, the reverse complement: TTN is on the minus strand); deleting any 2 consecutive bases within chr2:178,764,673-178,764,675 gives the same sequence; the c. name uses the placement nearest the transcript's 3' end. VCF-style (leftmost placement, unchanged base first): chr2-178764672-AGT-A. GRCh37 (hg19) VCF-style: chr2-179629399-AGT-A.
Other names: c.9841_9842del, p.Thr3281fs (NM_001256850.1, NM_133378.4, NM_133379.5); c.9703_9704del, p.Thr3235fs (NM_003319.4, NM_133432.3, NM_133437.4); short protein forms T3235fs, T3281fs.
Identifiers: ClinVar variation 969576 (VCV000969576.10), dbSNP rs2090036916, ClinGen allele CA1139657489.
Genomic context (GRCh38, chr2:178,764,672, plus strand): 5'-GGCTTCAATTAGCAAAAGCGTGTATTCTTGCCCATCATGAAGAAATTTGCACTTGAAGCC[AGT>A]GGAAAGCAGCTGCTCTTCCTTGTACCAGGAAATTTTGGGCTGTGGTCTTCCGGATATCAC-3'

ClinVar aggregate classification (germline): Conflicting classifications of pathogenicity. Review status: criteria provided, conflicting classifications (1 of 4 stars). 2 submissions from 2 submitters: Likely pathogenic (1); Uncertain significance (1). Last evaluated 2024-10-18.

Conditions:
Dilated cardiomyopathy 1G (CMD1G). Identifiers: Orphanet 154, MedGen C1858763, MONDO:0011400, OMIM 604145.
Autosomal recessive limb-girdle muscular dystrophy type 2J (LGMDR10). Also called: Limb-girdle muscular dystrophy, type 2J; MUSCULAR DYSTROPHY, LIMB-GIRDLE, AUTOSOMAL RECESSIVE 10. Identifiers: Orphanet 140922, MedGen C1837342, MONDO:0012127, OMIM 608807.

Submissions (2):

Labcorp Genetics (formerly Invitae), Labcorp
Classification: Likely pathogenic for Dilated cardiomyopathy 1G; Autosomal recessive limb-girdle muscular dystrophy type 2J. Last evaluated: 2024-10-18. Review status: criteria provided, single submitter. Criteria: Invitae Variant Classification Sherloc (09022015). Collection method: clinical testing. Allele origin: germline.
Comment: This sequence change creates a premature translational stop signal (p.Thr3281Trpfs*9) in the TTN gene. While this is not anticipated to result in nonsense mediated decay, it is expected to create a truncated TTN protein. This variant is not present in population databases (gnomAD no frequency). This variant has not been reported in the literature in individuals affected with TTN-related conditions. ClinVar contains an entry for this variant (Variation ID: 969576). This variant is located in the I band of TTN (PMID: 25589632). Truncating variants in this region have been reported in individuals affected with autosomal recessive centronuclear myopathy (PMID: 23975875, internal data). Truncating variants in this region have also been identified in individuals affected with autosomal dominant dilated cardiomyopathy and/or cardio-related conditions (PMID: 27869827, 32964742, internal data). In summary, the currently available evidence indicates that the variant is pathogenic, but additional data are needed to prove that conclusively. Therefore, this variant has been classified as Likely Pathogenic.

Revvity Omics, Revvity
Classification: Uncertain significance. Last evaluated: 2019-01-17. Review status: criteria provided, single submitter. Criteria: ACMG Guidelines, 2015. Collection method: clinical testing. Allele origin: germline.

Literature cited by the submitters: PubMed 25589632 (cited by Labcorp Genetics (formerly Invitae), Labcorp); PubMed 23975875 (cited by Labcorp Genetics (formerly Invitae), Labcorp); PubMed 27869827 (cited by Labcorp Genetics (formerly Invitae), Labcorp); PubMed 32964742 (cited by Labcorp Genetics (formerly Invitae), Labcorp).